The following is an entry in ClinVar:

ClinVar aggregate classification (germline): Uncertain significance (1 of 4 stars; one submission).

Conditions:
Cardiovascular phenotype. Identifiers: MedGen CN230736.

Allele frequency attached by ClinVar (database versions not stated): gnomAD exomes below 0.00001.

Submission:

Ambry Genetics
Classification: Uncertain significance for Cardiovascular phenotype. Last evaluated: 2025-04-20. Review status: criteria provided, single submitter. Criteria: Ambry Variant Classification Scheme 2023. Collection method: clinical testing. Allele origin: germline.
Comment: The p.L121P variant (also known as c.362T>C), located in coding exon 3 of the SCN4B gene, results from a T to C substitution at nucleotide position 362. The leucine at codon 121 is replaced by proline, an amino acid with similar properties. This amino acid position is conserved. In addition, the in silico prediction for this alteration is inconclusive. Based on the available evidence, the clinical significance of this variant remains unclear.

NM_174934.4(SCN4B):c.362T>C (p.Leu121Pro)

Genes: SCN4B (sodium voltage-gated channel beta subunit 4; minus strand), LOC126861356 (BRD4-independent group 4 enhancer GRCh37_chr11:118014519-118015718; plus strand). Cytogenetic location: 11q23.3.
Variant type: single nucleotide variant.
Coding change: c.362T>C on transcript NM_174934.4 (MANE Select); coding-DNA position 362, T replaced by C.
Protein change: p.Leu121Pro; replaces leucine 121 with proline.
Molecular consequence: missense variant. On other transcripts: intron variant (1).
Genome position (GRCh38, 1-based): chr11:118,143,934, A>G on the plus strand (T>C on the coding strand, the complement: SCN4B is on the minus strand). VCF-style: chr11-118143934-A-G. GRCh37 (hg19) VCF-style: chr11-118014649-A-G.
Other names: c.32T>C, p.Leu11Pro (NM_001142349.2); c.62-2598T>C (NM_001142348.2); short protein forms L121P, L11P.
Identifiers: ClinVar variation 302647 (VCV000302647.7), dbSNP rs886047731, ClinGen allele CA10637732.
Genomic context (GRCh38, chr11:118,143,934, plus strand): 5'-AGATTATTCTCCTTGGGGTTCTTCACATGGCAGGTGTATTTGCCCGTGTCGCTGAACTCC[A>G]GGTCCCTCAGCACAATGGAAATGTTGTTCATCTTCTCCTTAGTAGAGCCTACCAGAGTGA-3'
Protein context (NP_777594.1, residues 111-131): MNNISIVLRD[Leu121Pro]EFSDTGKYTC